The following is an entry in ClinVar:

ClinVar aggregate classification (germline): Pathogenic (1 of 4 stars; one submission).

Conditions:
Familial cancer of breast. Also called: BREAST CANCER, FAMILIAL; Hereditary breast cancer; hereditary breast carcinoma. Identifiers: Orphanet 227535, MedGen C0346153, MONDO:0016419, OMIM 114480. Disease mechanism: loss of function.

Submission:

Myriad Genetics, Inc.
Classification: Pathogenic for Familial cancer of breast. Last evaluated: 2026-09-09. Review status: criteria provided, single submitter. Criteria: Myriad Autosomal Dominant, Autosomal Recessive and X-Linked Classification Criteria (2023). Collection method: clinical testing. Allele origin: unknown.
Comment: This variant is considered pathogenic. This variant creates a frameshift predicted to result in premature protein truncation.

NM_000465.4(BARD1):c.512_513dup (p.Asp172fs)

Gene: BARD1 (BRCA1 associated RING domain 1; minus strand). Cytogenetic location: 2q35.
Variant type: Duplication.
Coding change: c.512_513dup on transcript NM_000465.4 (MANE Select); coding-DNA positions 512 to 513, 2 bases duplicated (AA; older notation c.512_513dupAA).
Protein change: p.Asp172fs; shifts the reading frame from aspartic acid 172.
Molecular consequence: frameshift variant. On other transcripts: non-coding transcript variant (2), intron variant (3).
Genome position (GRCh38, 1-based): chr2:214,781,361-214,781,362, TT duplicated on the plus strand (AA on the coding strand, the reverse complement: BARD1 is on the minus strand); duplicating any 2 consecutive bases within chr2:214,781,361-214,781,367 gives the same sequence; the c. name uses the placement nearest the transcript's 3' end. VCF-style (leftmost placement, unchanged base first): chr2-214781360-C-CTT. GRCh37 (hg19) VCF-style: chr2-215646084-C-CTT.
Other names: c.455_456dup, p.Asp153fs (NM_001282543.2); c.158+28050_158+28051dup (NM_001282548.2); c.215+15699_215+15700dup (NM_001282545.2); c.364+10935_364+10936dup (NM_001282549.2); short protein forms D153fs, D172fs.
Identifiers: ClinVar variation 5042285 (VCV005042285.1).
Genomic context (GRCh38, chr2:214,781,360, plus strand): 5'-AAACATCTGCAGGAGGACTTGGGGAAACAAATTCATATGAGTCTTGCTGAGCACTTGCAT[C>CTT]TTTTTTTATTGCAGGCTGGGTTTGCACTGAAGCTTTACTCACAACATATCTGACTTTCTT-3'